The following is an entry in ClinVar:

ClinVar aggregate classification (germline): Uncertain significance (1 of 4 stars; one submission).

Submission:

Labcorp Genetics (formerly Invitae), Labcorp
Classification: Uncertain significance. Last evaluated: 2022-07-29. Review status: criteria provided, single submitter. Criteria: Invitae Variant Classification Sherloc (09022015). Collection method: clinical testing. Allele origin: germline.
Comment: This sequence change falls in intron 24 of the AP3B2 gene. It does not directly change the encoded amino acid sequence of the AP3B2 protein. This variant is not present in population databases (gnomAD no frequency). This variant has not been reported in the literature in individuals affected with AP3B2-related conditions. Algorithms developed to predict the effect of sequence changes on RNA splicing suggest that this variant may create or strengthen a splice site. In summary, the available evidence is currently insufficient to determine the role of this variant in disease. Therefore, it has been classified as a Variant of Uncertain Significance.

NM_001278512.2(AP3B2):c.3017-16C>G

Genes: AP3B2 (adaptor related protein complex 3 subunit beta 2; minus strand), CPEB1-AS1 (CPEB1 antisense RNA 1; plus strand). Cytogenetic location: 15q25.2.
Variant type: single nucleotide variant.
Coding change: c.3017-16C>G on transcript NM_001278512.2 (MANE Select); 16 bases into the intron before coding-DNA position 3017, C replaced by G.
Molecular consequence: intron variant.
Genome position (GRCh38, 1-based): chr15:82,659,999, G>C on the plus strand (C>G on the coding strand, the complement: AP3B2 is on the minus strand). VCF-style: chr15-82659999-G-C. GRCh37 (hg19) VCF-style: chr15-83328751-G-C.
Other names: c.2864-16C>G (NM_001278511.2); c.2960-16C>G (NM_004644.5); c.149-16C>G (NM_001348441.2).
Identifiers: ClinVar variation 2043707 (VCV002043707.4), dbSNP rs190462067, ClinGen allele CA2580090084.